The following is an entry in ClinVar:

ClinVar aggregate classification (germline): Uncertain significance. Review status: criteria provided, multiple submitters, no conflicts (2 of 4 stars). 3 submissions from 3 submitters: Uncertain significance (3). Last evaluated 2025-02-09.

Conditions:
Cardiomyopathy (CMYO). Also called: Cardiomyopathies. Identifiers: Orphanet 167848, MedGen C0878544, MONDO:0004994, HP:0001638. Inheritance: Various modes of inheritance.
Catecholaminergic polymorphic ventricular tachycardia 1. Also called: RYR2-Related Catecholaminergic Polymorphic Ventricular Tachycardia; VENTRICULAR TACHYCARDIA, STRESS-INDUCED POLYMORPHIC 1; VENTRICULAR TACHYCARDIA, CATECHOLAMINERGIC POLYMORPHIC, 1, WITH OR WITHOUT ATRIAL DYSFUNCTION AND/OR DILATED CARDIOMYOPATHY. Identifiers: Orphanet 3286, MedGen C1631597, MONDO:0011484, OMIM 604772.
Catecholaminergic polymorphic ventricular tachycardia (CVPT). Also called: Catecholamine-induced polymorphic ventricular tachycardia. Identifiers: Orphanet 3286, MedGen C5574922, MONDO:0017990.

gnomAD v4.1: 7 of 1,613,952 alleles (0.00043%); highest among the groups gnomAD compares: Non-Finnish European, 0.00042%; no homozygotes.

Submissions (3):

Labcorp Genetics (formerly Invitae), Labcorp
Classification: Uncertain significance for Catecholaminergic polymorphic ventricular tachycardia 1. Last evaluated: 2025-02-09. Review status: criteria provided, single submitter. Criteria: Invitae Variant Classification Sherloc (09022015). Collection method: clinical testing. Allele origin: germline.
Comment: This sequence change replaces isoleucine, which is neutral and non-polar, with valine, which is neutral and non-polar, at codon 1786 of the RYR2 protein (p.Ile1786Val). This variant is not present in population databases (gnomAD no frequency). This variant has not been reported in the literature in individuals affected with RYR2-related conditions. ClinVar contains an entry for this variant (Variation ID: 3075448). Invitae Evidence Modeling of protein sequence and biophysical properties (such as structural, functional, and spatial information, amino acid conservation, physicochemical variation, residue mobility, and thermodynamic stability) indicates that this missense variant is not expected to disrupt RYR2 protein function with a negative predictive value of 95%. In summary, the available evidence is currently insufficient to determine the role of this variant in disease. Therefore, it has been classified as a Variant of Uncertain Significance.

All of Us Research Program, National Institutes of Health
Classification: Uncertain significance for Catecholaminergic polymorphic ventricular tachycardia. Last evaluated: 2024-02-05. Review status: criteria provided, single submitter. Criteria: ACMG Guidelines, 2015. Collection method: clinical testing. Allele origin: germline. Inheritance: Autosomal dominant inheritance. Observed: 1 variant allele, 1 heterozygote.
Comment: This missense variant replaces isoleucine with valine at codon 1786 of the RYR2 protein. Computational prediction suggests that this variant may not impact protein structure and function (internally defined REVEL score threshold <= 0.5, PMID: 27666373). To our knowledge, functional studies have not been reported for this variant. This variant has not been reported in individuals affected with RYR2-related disorders in the literature. This variant has not been identified in the general population by the Genome Aggregation Database (gnomAD). The available evidence is insufficient to determine the role of this variant in disease conclusively. Therefore, this variant is classified as a Variant of Uncertain Significance.

This study involves interpretation of variants in research participants for the purpose of population health screening. Participant phenotype was not available at the time of variant classification. Additional details can be found in publication PMID: 35346344, PMCID: PMC8962531

Color Diagnostics, LLC DBA Color Health
Classification: Uncertain significance for Cardiomyopathy. Last evaluated: 2024-01-29. Review status: criteria provided, single submitter. Criteria: ACMG Guidelines, 2015. Collection method: clinical testing. Allele origin: germline.
Comment: This missense variant replaces isoleucine with valine at codon 1786 of the RYR2 protein. Computational prediction suggests that this variant may not impact protein structure and function. To our knowledge, functional studies have not been reported for this variant. This variant has not been reported in individuals affected with RYR2-related disorders in the literature. This variant has not been identified in the general population by the Genome Aggregation Database (gnomAD). The available evidence is insufficient to determine the role of this variant in disease conclusively. Therefore, this variant is classified as a Variant of Uncertain Significance.

NM_001035.3(RYR2):c.5356A>G (p.Ile1786Val)

Gene: RYR2 (ryanodine receptor 2; plus strand). Cytogenetic location: 1q43.
Variant type: single nucleotide variant.
Coding change: c.5356A>G on transcript NM_001035.3 (MANE Select); coding-DNA position 5356, A replaced by G.
Protein change: p.Ile1786Val; replaces isoleucine 1786 with valine.
Molecular consequence: missense variant.
Genome position (GRCh38, 1-based): chr1:237,614,484, A>G. VCF-style: chr1-237614484-A-G. GRCh37 (hg19) VCF-style: chr1-237777784-A-G.
Other names: short protein forms I1786V.
Identifiers: ClinVar variation 3075448 (VCV003075448.4), dbSNP rs1294863861, ClinGen allele CA345404857.